The following is an entry in ClinVar:

ClinVar aggregate classification (germline): Uncertain significance (1 of 4 stars; one submission).

Conditions:
Congenital contractural arachnodactyly (CCA). Also called: Arthrogryposis, distal, type 9; BEALS SYNDROME; Beals-Hecht syndrome. Identifiers: Orphanet 115, MedGen C0220668, MONDO:0007363, OMIM 121050.

gnomAD v4.1: 2 of 1,614,066 alleles (0.00012%); highest among the groups gnomAD compares: Non-Finnish European, 0.00017%; no homozygotes.

Submission:

Labcorp Genetics (formerly Invitae), Labcorp
Classification: Uncertain significance for Congenital contractural arachnodactyly. Last evaluated: 2025-09-22. Review status: criteria provided, single submitter. Criteria: Invitae Variant Classification Sherloc (09022015). Collection method: clinical testing. Allele origin: germline.
Comment: This sequence change replaces glutamic acid, which is acidic and polar, with lysine, which is basic and polar, at codon 2048 of the FBN2 protein (p.Glu2048Lys). This variant is not present in population databases (gnomAD no frequency). This variant has not been reported in the literature in individuals affected with FBN2-related conditions. Invitae Evidence Modeling of protein sequence and biophysical properties (such as structural, functional, and spatial information, amino acid conservation, physicochemical variation, residue mobility, and thermodynamic stability) indicates that this missense variant is not expected to disrupt FBN2 protein function with a negative predictive value of 80%. In summary, the available evidence is currently insufficient to determine the role of this variant in disease. Therefore, it has been classified as a Variant of Uncertain Significance.

NM_001999.4(FBN2):c.6142G>A (p.Glu2048Lys)

Gene: FBN2 (fibrillin 2; minus strand). Cytogenetic location: 5q23.3.
Variant type: single nucleotide variant.
Coding change: c.6142G>A on transcript NM_001999.4 (MANE Select); coding-DNA position 6142, G replaced by A.
Protein change: p.Glu2048Lys; replaces glutamic acid 2048 with lysine.
Molecular consequence: missense variant.
Genome position (GRCh38, 1-based): chr5:128,300,841, C>T on the plus strand (G>A on the coding strand, the complement: FBN2 is on the minus strand). VCF-style: chr5-128300841-C-T. GRCh37 (hg19) VCF-style: chr5-127636533-C-T.
Other names: short protein forms E2048K.
Identifiers: ClinVar variation 4727507 (VCV004727507.1).